The following is an entry in ClinVar:

ClinVar aggregate classification (germline): Likely benign (1 of 4 stars; one submission).

Allele frequency attached by ClinVar (database versions not stated): ExAC 0.00002.

Submission:

CeGaT Center for Human Genetics Tuebingen
Classification: Likely benign. Last evaluated: 2023-09-01. Review status: criteria provided, single submitter. Criteria: CeGaT Center For Human Genetics Tuebingen Variant Classification Criteria Version 2. Collection method: clinical testing. Allele origin: germline. Affected: yes. Observed: 8 variant alleles.
Comment: CTBP2: BP4, BP7

NM_001329.4(CTBP2):c.819C>T (p.Gly273=)

Gene: CTBP2 (C-terminal binding protein 2; minus strand). Cytogenetic location: 10q26.13.
Variant type: single nucleotide variant.
Coding change: c.819C>T on transcript NM_001329.4 (MANE Select); coding-DNA position 819, C replaced by T.
Protein change: p.Gly273=; no amino-acid change (glycine 273 retained).
Molecular consequence: synonymous variant.
Genome position (GRCh38, 1-based): chr10:124,993,947, G>A on the plus strand (C>T on the coding strand, the complement: CTBP2 is on the minus strand). VCF-style: chr10-124993947-G-A. GRCh37 (hg19) VCF-style: chr10-126682516-G-A.
Other names: c.819C>T, p.Gly273= (NM_001083914.3, NM_001290214.3, NM_001290215.3 and 3 more transcripts); c.1023C>T, p.Gly341= (NM_001363508.2); c.2439C>T, p.Gly813= (NM_022802.3).
Identifiers: ClinVar variation 2640950 (VCV002640950.24), dbSNP rs185815738, ClinGen allele CA5735769.